The following is an entry in ClinVar:

ClinVar aggregate classification (germline): Uncertain significance (1 of 4 stars; one submission).

Conditions:
Baller-Gerold syndrome (BGS). Also called: CRANIOSYNOSTOSIS WITH RADIAL DEFECTS. Identifiers: Orphanet 1225, MedGen C0265308, MONDO:0009039, OMIM 218600.

Submission:

Labcorp Genetics (formerly Invitae), Labcorp
Classification: Uncertain significance for Baller-Gerold syndrome. Last evaluated: 2022-06-26. Review status: criteria provided, single submitter. Criteria: Invitae Variant Classification Sherloc (09022015). Collection method: clinical testing. Allele origin: germline.
Comment: In summary, the available evidence is currently insufficient to determine the role of this variant in disease. Therefore, it has been classified as a Variant of Uncertain Significance. Experimental studies and prediction algorithms are not available or were not evaluated, and the functional significance of this variant is currently unknown. This variant has not been reported in the literature in individuals affected with RECQL4-related conditions. This variant is not present in population databases (gnomAD no frequency). This variant, c.2128_2145dup, results in the insertion of 6 amino acid(s) of the RECQL4 protein (p.Arg710_Arg715dup), but otherwise preserves the integrity of the reading frame.

NM_004260.4(RECQL4):c.2128_2145dup (p.Arg715_Ile716insArgGluAspThrGluArg)

Gene: RECQL4 (RecQ like helicase 4; minus strand). Cytogenetic location: 8q24.3.
Variant type: Duplication.
Coding change: c.2128_2145dup on transcript NM_004260.4 (MANE Select); coding-DNA positions 2128 to 2145, 18 bases duplicated (CGCGAGGACACAGAGCGG).
Protein change: p.Arg715_Ile716insArgGluAspThrGluArg.
Molecular consequence: inframe insertion. On other transcripts: inframe indel (26).
Genome position (GRCh38, 1-based): chr8:144,513,626-144,513,643, CCGCTCTGTGTCCTCGCG duplicated on the plus strand (CGCGAGGACACAGAGCGG on the coding strand, the reverse complement: RECQL4 is on the minus strand); duplicating any 18 consecutive bases within chr8:144,513,626-144,513,646 gives the same sequence; the c. name uses the placement nearest the transcript's 3' end. VCF-style (leftmost placement, unchanged base first): chr8-144513625-T-TCCGCTCTGTGTCCTCGCG. GRCh37 (hg19) VCF-style: chr8-145739009-T-TCCGCTCTGTGTCCTCGCG.
Other names: c.2029_2046dup, p.Arg683_Ile684insArgGluAspThrGluArg (NM_001413017.1, NM_001413020.1); c.2125_2142dup, p.Arg715_Ile716insArgGluAspThrGluArg (NM_001413018.1, NM_001413019.1, NM_001413036.1); c.1054_1071dup, p.Arg358_Ile359insArgGluAspThrGluArg (NM_001413021.1, NM_001413022.1, NM_001413023.1 and 6 more transcripts); c.1996_2013dup, p.Arg672_Ile673insArgGluAspThrGluArg (NM_001413025.1); c.988_1005dup, p.Arg336_Ile337insArgGluAspThrGluArg (NM_001413027.1, NM_001413030.1, NM_001413032.1 and 1 more transcripts); c.1774_1791dup, p.Arg598_Ile599insArgGluAspThrGluArg (NM_001413029.1); c.856_873dup, p.Arg292_Ile293insArgGluAspThrGluArg (NM_001413031.1); c.1993_2010dup, p.Arg671_Ile672insArgGluAspThrGluArg (NM_001413033.1); and 4 more.
Identifiers: ClinVar variation 2011233 (VCV002011233.4), dbSNP rs2538018274, ClinGen allele CA2580078746.